The following is an entry in ClinVar:

ClinVar aggregate classification (germline): Uncertain significance. Review status: criteria provided, multiple submitters, no conflicts (2 of 4 stars). 2 submissions from 2 submitters: Uncertain significance (2). Last evaluated 2019-12-04.

Conditions:
Very long chain acyl-CoA dehydrogenase deficiency (ACADVLD). Also called: VLCAD Deficiency; Very Long-Chain Acyl-Coenzyme A Dehydrogenase Deficiency. Identifiers: Orphanet 26793, MedGen C3887523, MONDO:0008723, OMIM 201475.

Submissions (2):

Labcorp Genetics (formerly Invitae), Labcorp
Classification: Uncertain significance for Very long chain acyl-CoA dehydrogenase deficiency. Last evaluated: 2019-12-04. Review status: criteria provided, single submitter. Criteria: Invitae Variant Classification Sherloc (09022015). Collection method: clinical testing. Allele origin: germline.
Comment: In summary, the available evidence is currently insufficient to determine the role of this variant in disease. Therefore, it has been classified as a Variant of Uncertain Significance. Algorithms developed to predict the effect of missense changes on protein structure and function are either unavailable or do not agree on the potential impact of this missense change (SIFT: "Tolerated"; PolyPhen-2: "Possibly Damaging"; Align-GVGD: "Class C0"). This variant has not been reported in the literature in individuals with ACADVL-related conditions. ClinVar contains an entry for this variant (Variation ID: 166645). This variant is not present in population databases (ExAC no frequency). This sequence change replaces alanine with valine at codon 402 of the ACADVL protein (p.Ala402Val). The alanine residue is moderately conserved and there is a small physicochemical difference between alanine and valine.

Eurofins Ntd Llc (ga)
Classification: Uncertain significance. Last evaluated: 2014-04-08. Review status: criteria provided, single submitter. Criteria: EGL Classification Definitions 2015. Collection method: clinical testing. Allele origin: germline. Observed: 1 variant allele, 1 heterozygote.

NM_000018.4(ACADVL):c.1205C>T (p.Ala402Val)

Gene: ACADVL (acyl-CoA dehydrogenase very long chain; plus strand). Cytogenetic location: 17p13.1.
Variant type: single nucleotide variant.
Coding change: c.1205C>T on transcript NM_000018.4 (MANE Select); coding-DNA position 1205, C replaced by T.
Protein change: p.Ala402Val; replaces alanine 402 with valine.
Molecular consequence: missense variant.
Genome position (GRCh38, 1-based): chr17:7,223,666, C>T. VCF-style: chr17-7223666-C-T. GRCh37 (hg19) VCF-style: chr17-7126985-C-T.
Other names: c.1139C>T, p.Ala380Val (NM_001033859.3); c.1274C>T, p.Ala425Val (NM_001270447.2); c.977C>T, p.Ala326Val (NM_001270448.2); short protein forms A402V, A326V, A380V, A425V.
Identifiers: ClinVar variation 166645 (VCV000166645.15), dbSNP rs727503793, ClinGen allele CA233434.